The following is an entry in ClinVar:

ClinVar aggregate classification (germline): Uncertain significance. Review status: criteria provided, multiple submitters, no conflicts (2 of 4 stars). 2 submissions from 2 submitters: Uncertain significance (2). Last evaluated 2025-06-18.

Conditions:
Inborn genetic diseases. Identifiers: MedGen C0950123, MeSH D030342.
Evans syndrome, immunodeficiency, and premature immunosenescence associated with tripeptidyl-peptidase II deficiency. Identifiers: MedGen CN231723. Disease mechanism: loss of function.

gnomAD v4.1: 58 of 1,597,938 alleles (0.0036%); highest among the groups gnomAD compares: South Asian, 0.06%; no homozygotes.

Submissions (2):

Ambry Genetics
Classification: Uncertain significance for Inborn genetic diseases. Last evaluated: 2025-06-18. Review status: criteria provided, single submitter. Criteria: Ambry Variant Classification Scheme 2023. Collection method: clinical testing. Allele origin: germline.

Labcorp Genetics (formerly Invitae), Labcorp
Classification: Uncertain significance for Evans syndrome, immunodeficiency, and premature immunosenescence associated with tripeptidyl-peptidase II deficiency. Last evaluated: 2024-10-30. Review status: criteria provided, single submitter. Criteria: Invitae Variant Classification Sherloc (09022015). Collection method: clinical testing. Allele origin: germline.
Comment: This sequence change replaces glutamic acid, which is acidic and polar, with alanine, which is neutral and non-polar, at codon 278 of the TPP2 protein (p.Glu278Ala). This variant is present in population databases (rs749761916, gnomAD 0.06%). This variant has not been reported in the literature in individuals affected with TPP2-related conditions. An algorithm developed to predict the effect of missense changes on protein structure and function (PolyPhen-2) suggests that this variant is likely to be tolerated. In summary, the available evidence is currently insufficient to determine the role of this variant in disease. Therefore, it has been classified as a Variant of Uncertain Significance.

NM_001330588.2(TPP2):c.833A>C (p.Glu278Ala)

Gene: TPP2 (tripeptidyl peptidase 2; plus strand). Cytogenetic location: 13q33.1.
Variant type: single nucleotide variant.
Coding change: c.833A>C on transcript NM_001330588.2 (MANE Select); coding-DNA position 833, A replaced by C.
Protein change: p.Glu278Ala; replaces glutamic acid 278 with alanine.
Molecular consequence: missense variant. On other transcripts: non-coding transcript variant (1).
Genome position (GRCh38, 1-based): chr13:102,627,060, A>C. VCF-style: chr13-102627060-A-C. GRCh37 (hg19) VCF-style: chr13-103279410-A-C.
Other names: c.833A>C, p.Glu278Ala (NM_001367947.1, NM_003291.4); c.833A>C (NM_003291.2); short protein forms E278A.
Identifiers: ClinVar variation 3625650 (VCV003625650.3).